The following is an entry in ClinVar:

ClinVar aggregate classification (germline): Uncertain significance (1 of 4 stars; one submission).

gnomAD v4.1: 1 of 1,614,060 alleles (0.000062%); no homozygotes.

Submission:

Labcorp Genetics (formerly Invitae), Labcorp
Classification: Uncertain significance. Last evaluated: 2024-04-08. Review status: criteria provided, single submitter. Criteria: Invitae Variant Classification Sherloc (09022015). Collection method: clinical testing. Allele origin: germline.
Comment: This sequence change replaces asparagine, which is neutral and polar, with serine, which is neutral and polar, at codon 698 of the ACO2 protein (p.Asn698Ser). This variant is present in population databases (no rsID available, gnomAD 0.003%). This variant has not been reported in the literature in individuals affected with ACO2-related conditions. Advanced modeling of protein sequence and biophysical properties (such as structural, functional, and spatial information, amino acid conservation, physicochemical variation, residue mobility, and thermodynamic stability) performed at Invitae indicates that this missense variant is expected to disrupt ACO2 protein function with a positive predictive value of 80%. In summary, the available evidence is currently insufficient to determine the role of this variant in disease. Therefore, it has been classified as a Variant of Uncertain Significance.

NM_001098.3(ACO2):c.2093A>G (p.Asn698Ser)

Genes: ACO2 (aconitase 2; plus strand), POLR3H (RNA polymerase III subunit H; minus strand). Cytogenetic location: 22q13.2.
Variant type: single nucleotide variant.
Coding change: c.2093A>G on transcript NM_001098.3 (MANE Select); coding-DNA position 2093, A replaced by G.
Protein change: p.Asn698Ser; replaces asparagine 698 with serine.
Molecular consequence: missense variant. On other transcripts: 3 prime UTR variant (5).
Genome position (GRCh38, 1-based): chr22:41,527,907, A>G. VCF-style: chr22-41527907-A-G. GRCh37 (hg19) VCF-style: chr22-41923911-A-G.
Other names: c.*1376T>C (NM_001018050.4, NM_001018052.4, NM_001282884.2 and 2 more transcripts); short protein forms N698S.
Identifiers: ClinVar variation 3648565 (VCV003648565.2).